The following is an entry in ClinVar:

ClinVar aggregate classification (germline): Uncertain significance (1 of 4 stars; one submission).

Conditions:
Epileptic encephalopathy. Identifiers: MedGen C0543888, HP:0200134.

Allele frequency attached by ClinVar (database versions not stated): gnomAD exomes below 0.00001; ExAC 0.00001; gnomAD 0.00002; TOPMed 0.00002.
gnomAD v4.1: 8 of 1,610,656 alleles (0.0005%); highest among the groups gnomAD compares: South Asian, 0.0022%; no homozygotes.

Submission:

Labcorp Genetics (formerly Invitae), Labcorp
Classification: Uncertain significance for Epileptic encephalopathy. Last evaluated: 2020-01-13. Review status: criteria provided, single submitter. Criteria: Invitae Variant Classification Sherloc (09022015). Collection method: clinical testing. Allele origin: germline.
Comment: In summary, the available evidence is currently insufficient to determine the role of this variant in disease. Therefore, it has been classified as a Variant of Uncertain Significance. Algorithms developed to predict the effect of missense changes on protein structure and function are either unavailable or do not agree on the potential impact of this missense change (SIFT: "Deleterious"; PolyPhen-2: "Benign"; Align-GVGD: "Class C15"). This variant has not been reported in the literature in individuals with RYR3-related conditions. This variant is present in population databases (rs771787332, ExAC 0.007%). This sequence change replaces glutamic acid with lysine at codon 2160 of the RYR3 protein (p.Glu2160Lys). The glutamic acid residue is highly conserved and there is a small physicochemical difference between glutamic acid and lysine.

NM_001036.6(RYR3):c.6478G>A (p.Glu2160Lys)

Gene: RYR3 (ryanodine receptor 3; plus strand). Cytogenetic location: 15q14.
Variant type: single nucleotide variant.
Coding change: c.6478G>A on transcript NM_001036.6 (MANE Select); coding-DNA position 6478, G replaced by A.
Protein change: p.Glu2160Lys; replaces glutamic acid 2160 with lysine.
Molecular consequence: missense variant.
Genome position (GRCh38, 1-based): chr15:33,701,075, G>A. VCF-style: chr15-33701075-G-A. GRCh37 (hg19) VCF-style: chr15-33993276-G-A.
Other names: c.6478G>A, p.Glu2160Lys (NM_001243996.4); short protein forms E2160K.
Identifiers: ClinVar variation 836209 (VCV000836209.9), dbSNP rs771787332, ClinGen allele CA7459569.